The following is an entry in ClinVar:

NM_000093.5(COL5A1):c.3214_3215del (p.Gly1072fs)

Gene: COL5A1 (collagen type V alpha 1 chain; plus strand). Cytogenetic location: 9q34.3.
Variant type: Deletion.
Coding change: c.3214_3215del on transcript NM_000093.5 (MANE Select); coding-DNA positions 3214 to 3215, 2 bases deleted (GG; older notation c.3214_3215delGG).
Protein change: p.Gly1072fs; shifts the reading frame from glycine 1072.
Molecular consequence: frameshift variant.
Genome position (GRCh38, 1-based): chr9:134,805,170-134,805,171, GG deleted. VCF-style (leftmost placement, unchanged base first): chr9-134805169-TGG-T. GRCh37 (hg19) VCF-style: chr9-137697015-TGG-T.
Other names: c.3214_3215del, p.Gly1072fs (NM_001278074.1); short protein forms G1072fs.
Identifiers: ClinVar variation 3656998 (VCV003656998.2).

ClinVar aggregate classification (germline): Pathogenic (1 of 4 stars; one submission).

Conditions:
Ehlers-Danlos syndrome, classic type, 1 (EDSCL1). Also called: EHLERS-DANLOS SYNDROME, GRAVIS TYPE; EHLERS-DANLOS SYNDROME, SEVERE CLASSIC TYPE; Ehlers-Danlos syndrome, type 1; Ehlers-Danlos Syndrome, Classic Type, COL5A1-Related; EDS I. Identifiers: MedGen C0268335, MONDO:0019567, OMIM 130000.

Submission:

Labcorp Genetics (formerly Invitae), Labcorp
Classification: Pathogenic for Ehlers-Danlos syndrome, classic type, 1. Last evaluated: 2024-06-19. Review status: criteria provided, single submitter. Criteria: Invitae Variant Classification Sherloc (09022015). Collection method: clinical testing. Allele origin: germline.
Comment: This sequence change creates a premature translational stop signal (p.Gly1072Thrfs*5) in the COL5A1 gene. It is expected to result in an absent or disrupted protein product. Loss-of-function variants in COL5A1 are known to be pathogenic (PMID: 23587214). This variant is not present in population databases (gnomAD no frequency). This variant has not been reported in the literature in individuals affected with COL5A1-related conditions. For these reasons, this variant has been classified as Pathogenic.

Literature cited by the submitters: PubMed 23587214.